The following is an entry in ClinVar:

NM_001378454.1(ALMS1):c.9226A>T (p.Lys3076Ter)

Gene: ALMS1 (ALMS1 centrosome and basal body associated protein; plus strand). Cytogenetic location: 2p13.1.
Variant type: single nucleotide variant.
Coding change: c.9226A>T on transcript NM_001378454.1 (MANE Select); coding-DNA position 9226, A replaced by T.
Protein change: p.Lys3076Ter; replaces lysine 3076 with a stop codon.
Molecular consequence: nonsense.
Genome position (GRCh38, 1-based): chr2:73,491,185, A>T. VCF-style: chr2-73491185-A-T. GRCh37 (hg19) VCF-style: chr2-73718312-A-T.
Other names: c.9229A>T, p.Lys3077Ter (NM_015120.4); short protein forms K3076*, K3077*.
Identifiers: ClinVar variation 1725965 (VCV001725965.2), dbSNP rs2466219921, ClinGen allele CA347273627.
Genomic context (GRCh38, chr2:73,491,185, plus strand): 5'-TCTTCCAAGTTGGATAGTGGAACTTTAGATGAAAGATTCCATTCATTGGATGCTGCTTCT[A>T]AAGCGAGGATGAATAGTGAGTTTAACTTTGACTTACATACTGTATCTTCGAGATCACTGG-3'

ClinVar aggregate classification (germline): Likely pathogenic (1 of 4 stars; one submission).

Conditions:
Alstrom syndrome (ALMS). Identifiers: Orphanet 64, MedGen C0268425, MONDO:0008763, OMIM 203800.

Submission:

Myriad Genetics, Inc.
Classification: Likely pathogenic for Alstrom syndrome. Last evaluated: 2022-04-26. Review status: criteria provided, single submitter. Criteria: Myriad Women's Health Autosomal Recessive and X-Linked Classification Criteria (2021). Collection method: clinical testing. Allele origin: unknown.
Comment: NM_015120.4(ALMS1):c.9229A>T(K3077*) is expected to be pathogenic in the context of Alstrom syndrome. This variant is predicted to lead to an abnormal or absent protein product due to the creation of a premature termination codon in ALMS1, a gene where loss-of-function variants are known to be pathogenic. Please note: this variant was assessed in the context of healthy population screening.